The following is an entry in ClinVar:

ClinVar aggregate classification (germline): Conflicting classifications of pathogenicity. Review status: criteria provided, conflicting classifications (1 of 4 stars). 2 submissions from 2 submitters: Uncertain significance (1); Benign (1). Last evaluated 2026-05-12.

Conditions:
Cardiovascular phenotype. Identifiers: MedGen CN230736.

gnomAD v4.1: 142 of 1,613,732 alleles (0.0088%); highest among the groups gnomAD compares: South Asian, 0.11%; no homozygotes.

Submissions (2):

Ambry Genetics
Classification: Benign for Cardiovascular phenotype. Last evaluated: 2026-05-12. Review status: criteria provided, single submitter. Criteria: Ambry Variant Classification Scheme 2023. Collection method: clinical testing. Allele origin: germline.

GeneDx
Classification: Uncertain significance. Last evaluated: 2022-09-14. Review status: criteria provided, single submitter. Criteria: GeneDx Variant Classification Process June 2021. Collection method: clinical testing. Allele origin: germline. Affected: yes.
Comment: Identified in a neonatal patient with anorectal Malformation (ARM), rectovestibular fistula, atrial septal defect (ASD) and horseshoe kidney in published literature (Narikot et al., 2022); In silico analysis supports that this missense variant does not alter protein structure/function; This variant is associated with the following publications: (PMID: 34979951)

NM_001365276.2(TNXB):c.4279G>A (p.Val1427Met)

Gene: TNXB (tenascin XB; minus strand). Cytogenetic location: 6p21.33.
Variant type: single nucleotide variant.
Coding change: c.4279G>A on transcript NM_001365276.2 (MANE Select); coding-DNA position 4279, G replaced by A.
Protein change: p.Val1427Met; replaces valine 1427 with methionine.
Molecular consequence: missense variant.
Genome position (GRCh38, 1-based): chr6:32,079,129, C>T on the plus strand (G>A on the coding strand, the complement: TNXB is on the minus strand). VCF-style: chr6-32079129-C-T. GRCh37 (hg19) VCF-style: chr6-32046906-C-T.
Other names: c.4279G>A, p.Val1427Met (NM_019105.8); short protein forms V1427M.
Identifiers: ClinVar variation 1189129 (VCV001189129.5), dbSNP rs749217346, ClinGen allele CA3734990.